The following is an entry in ClinVar:

NM_006231.4(POLE):c.62+97T>G

Genes: POLE (DNA polymerase epsilon, catalytic subunit; minus strand), LOC130009266 (ATAC-STARR-seq lymphoblastoid silent region 5123; plus strand). Cytogenetic location: 12q24.33.
Variant type: single nucleotide variant.
Coding change: c.62+97T>G on transcript NM_006231.4 (MANE Select); 97 bases into the intron after coding-DNA position 62, T replaced by G.
Molecular consequence: intron variant.
Genome position (GRCh38, 1-based): chr12:132,687,157, A>C on the plus strand (T>G on the coding strand, the complement: POLE is on the minus strand). VCF-style: chr12-132687157-A-C. GRCh37 (hg19) VCF-style: chr12-133263743-A-C.
Identifiers: ClinVar variation 676485 (VCV000676485.2), dbSNP rs111877885, ClinGen allele CA16460709.

ClinVar aggregate classification (germline): Benign. Review status: criteria provided, multiple submitters, no conflicts (2 of 4 stars). 2 submissions from 2 submitters: Benign (2). Last evaluated 2018-06-20.

Allele frequency attached by ClinVar (database versions not stated): 1000 Genomes Project 30x 0.99953; gnomAD 0.99986 and 0.99989; gnomAD exomes 0.99997; 1000 Genomes Project 1.00000; TOPMed 1.00000.

Submissions (2):

GeneDx
Classification: Benign. Last evaluated: 2018-06-20. Review status: criteria provided, single submitter. Criteria: GeneDx Variant Classification (06012015). Collection method: clinical testing. Allele origin: germline. Affected: yes.
Comment: This variant is considered likely benign or benign based on one or more of the following criteria: it is a conservative change, it occurs at a poorly conserved position in the protein, it is predicted to be benign by multiple in silico algorithms, and/or has population frequency not consistent with disease.

Breakthrough Genomics
Classification: Benign. Review status: criteria provided, single submitter. Criteria: ACMG Guidelines, 2015. Collection method: not provided. Allele origin: germline. Inheritance: Autosomal recessive inheritance. Affected: yes.